The following is an entry in ClinVar:

NM_000532.5(PCCB):c.763+2T>A

Gene: PCCB (propionyl-CoA carboxylase subunit beta; plus strand). Cytogenetic location: 3q22.3.
Variant type: single nucleotide variant.
Coding change: c.763+2T>A on transcript NM_000532.5 (MANE Select); the canonical splice donor site of the intron after coding-DNA position 763, T replaced by A.
Molecular consequence: splice donor variant.
Genome position (GRCh38, 1-based): chr3:136,293,866, T>A. VCF-style: chr3-136293866-T-A. GRCh37 (hg19) VCF-style: chr3-136012708-T-A.
Other names: c.823+2T>A (NM_001178014.2).
Identifiers: ClinVar variation 556164 (VCV000556164.5), dbSNP rs1553778914, ClinGen allele CA354643745.
Genomic context (GRCh38, chr3:136,293,866, plus strand): 5'-CAATGAGGATGTTACCCAGGAGGAGCTCGGTGGTGCCAAGACCCACACCACCATGTCAGG[T>A]GAGAGGCCTTGAAGATGACCTTGTTGTTTTCAAACATTGAGAAGAGGGCATTGCCAAAGA-3'

ClinVar aggregate classification (germline): Likely pathogenic. Review status: criteria provided, multiple submitters, no conflicts (2 of 4 stars). 3 submissions from 3 submitters: Likely pathogenic (2). 1 of the submissions does not count toward it. Last evaluated 2024-07-01.

Conditions:
Propionic acidemia (PROP). Also called: GLYCINEMIA, KETOTIC; HYPERGLYCINEMIA WITH KETOACIDOSIS AND LEUKOPENIA; KETOTIC HYPERGLYCINEMIA. Identifiers: Orphanet 35, MedGen C0268579, MONDO:0011628, OMIM 606054, HP:0003571.

Allele frequency attached by ClinVar (database versions not stated): TOPMed below 0.00001.
gnomAD v4.1: 1 of 1,513,450 alleles (0.000066%); highest among the groups gnomAD compares: Non-Finnish European, 0.000092%; no homozygotes.

Submissions (3):

Natera, Inc.
Classification: Likely pathogenic for Propionic acidemia. Last evaluated: 2024-07-01. Review status: criteria provided, single submitter. Criteria: Natera Variant Classification Schema (03/2026). Collection method: clinical testing. Allele origin: germline.
Comment: The c.763+2T>A variant in PCCB is a canonical splice donor site variant predicted to affect pre-mRNA splicing, which may result in an abnormal transcript and altered protein product. This variant is expected to result in nonsense mediated decay, truncation, or a dysfunctional protein product. This variant is rare in the general population with a frequency below the threshold expected for the associated phenotype(s). Given the available evidence, this variant is classified as Likely Pathogenic.

Baylor Genetics
Classification: Likely pathogenic for Propionic acidemia. Last evaluated: 2024-03-05. Review status: criteria provided, single submitter. Criteria: ACMG Guidelines, 2015. Collection method: clinical testing. Allele origin: unknown.

Counsyl
Classification: Likely pathogenic for Propionic acidemia. Last evaluated: 2018-01-16. Review status: no assertion criteria provided. Collection method: clinical testing. Allele origin: unknown. Not counted in ClinVar's aggregate classification.